The following is an entry in ClinVar:

NM_000044.6(AR):c.980G>A (p.Cys327Tyr)

Gene: AR (androgen receptor; plus strand). Cytogenetic location: Xq12.
Variant type: single nucleotide variant.
Coding change: c.980G>A on transcript NM_000044.6 (MANE Select); coding-DNA position 980, G replaced by A.
Protein change: p.Cys327Tyr; replaces cysteine 327 with tyrosine.
Molecular consequence: missense variant. On other transcripts: 5 prime UTR variant (1).
Genome position (GRCh38, 1-based): chrX:67,546,126, G>A. VCF-style: chrX-67546126-G-A. GRCh37 (hg19) VCF-style: chrX-66765968-G-A.
Other names: c.-804G>A (NM_001011645.3); c.980G>A, p.Cys327Tyr (NM_001348061.1, NM_001348063.1, NM_001348064.1 and 1 more transcripts); short protein forms C327Y.
Identifiers: ClinVar variation 2929923 (VCV002929923.3), dbSNP rs372682890, ClinGen allele CA10436342.

ClinVar aggregate classification (germline): Uncertain significance (1 of 4 stars; one submission).

Conditions:
Kennedy disease (SMAX1). Also called: SPINAL AND BULBAR MUSCULAR ATROPHY, X-LINKED 1; KENNEDY SPINAL AND BULBAR MUSCULAR ATROPHY; Spinal and Bulbar Muscular Atrophy. Identifiers: Orphanet 481, MedGen C1839259, MONDO:0010735, OMIM 313200.
Androgen resistance syndrome (AIS). Also called: DHTR DEFICIENCY; DIHYDROTESTOSTERONE RECEPTOR DEFICIENCY; ANDROGEN RECEPTOR DEFICIENCY; TESTICULAR FEMINIZATION SYNDROME; Androgen insensitivity syndrome; Androgen insensitivity. Identifiers: Orphanet 754, Orphanet 99429, MedGen C0039585, MONDO:0019154, OMIM 300068. Disease mechanism: loss of function.

Allele frequency attached by ClinVar (database versions not stated): gnomAD 0.00001; gnomAD exomes 0.00001; ExAC 0.00002; TOPMed 0.00002; ESP Exome Variant Server 0.00009.
gnomAD v4.1: 5 of 1,211,224 alleles (0.00041%); highest among the groups gnomAD compares: Non-Finnish European, 0.00056%; no homozygotes.

Submission:

Labcorp Genetics (formerly Invitae), Labcorp
Classification: Uncertain significance for Kennedy disease; Androgen resistance syndrome. Last evaluated: 2023-12-01. Review status: criteria provided, single submitter. Criteria: Invitae Variant Classification Sherloc (09022015). Collection method: clinical testing. Allele origin: germline.
Comment: This sequence change replaces cysteine, which is neutral and slightly polar, with tyrosine, which is neutral and polar, at codon 327 of the AR protein (p.Cys327Tyr). This variant is present in population databases (rs372682890, gnomAD 0.004%), including at least one homozygous and/or hemizygous individual. This variant has not been reported in the literature in individuals affected with AR-related conditions. Advanced modeling of protein sequence and biophysical properties (such as structural, functional, and spatial information, amino acid conservation, physicochemical variation, residue mobility, and thermodynamic stability) has been performed at Invitae for this missense variant, however the output from this modeling did not meet the statistical confidence thresholds required to predict the impact of this variant on AR protein function. In summary, the available evidence is currently insufficient to determine the role of this variant in disease. Therefore, it has been classified as a Variant of Uncertain Significance.